The following is an entry in ClinVar:

ClinVar aggregate classification (germline): Uncertain significance (1 of 4 stars; one submission).

Conditions:
Hereditary cancer-predisposing syndrome. Also called: Neoplastic Syndromes, Hereditary; Tumor predisposition; Hereditary Cancer Syndrome; Hereditary neoplastic syndrome. Identifiers: Orphanet 140162, MedGen C0027672, MeSH D009386, MONDO:0015356.

Submission:

Ambry Genetics
Classification: Uncertain significance for Hereditary cancer-predisposing syndrome. Last evaluated: 2026-01-16. Review status: criteria provided, single submitter. Criteria: Ambry Variant Classification Scheme 2023. Collection method: clinical testing. Allele origin: germline.
Comment: The p.Q793L variant (also known as c.2378A>T), located in coding exon 15 of the APC gene, results from an A to T substitution at nucleotide position 2378. The glutamine at codon 793 is replaced by leucine, an amino acid with dissimilar properties. This amino acid position is not well conserved in available vertebrate species. In addition, in silico predictors for this gene do not accurately predict pathogenicity. Missense variants in APC are not a common cause of disease (Spier I et al. Genet Med. 2024 Feb;26(2):100992). Based on the available evidence, the clinical significance of this variant remains unclear.

NM_000038.6(APC):c.2378A>T (p.Gln793Leu)

Gene: APC (APC regulator of Wnt signaling pathway; plus strand). Cytogenetic location: 5q22.2.
Variant type: single nucleotide variant.
Coding change: c.2378A>T on transcript NM_000038.6 (MANE Select); coding-DNA position 2378, A replaced by T.
Protein change: p.Gln793Leu; replaces glutamine 793 with leucine.
Molecular consequence: missense variant. On other transcripts: non-coding transcript variant (2).
Genome position (GRCh38, 1-based): chr5:112,837,972, A>T. VCF-style: chr5-112837972-A-T. GRCh37 (hg19) VCF-style: chr5-112173669-A-T.
Other names: c.2378A>T, p.Gln793Leu (NM_001127510.3, NM_001354895.2, NM_001407450.1); c.2324A>T, p.Gln775Leu (NM_001127511.3); c.2432A>T, p.Gln811Leu (NM_001354896.2, NM_001407447.1, NM_001407448.1 and 1 more transcripts); c.2408A>T, p.Gln803Leu (NM_001354897.2); c.2303A>T, p.Gln768Leu (NM_001354898.2); c.2294A>T, p.Gln765Leu (NM_001354899.2); c.2255A>T, p.Gln752Leu (NM_001354900.2); c.2201A>T, p.Gln734Leu (NM_001354901.2, NM_001407453.1); and 11 more; short protein forms Q702L, Q803L, Q409L, Q510L, Q710L, Q775L, Q633L, Q664L.
Identifiers: ClinVar variation 4843523 (VCV004843523.1).
Genomic context (GRCh38, chr5:112,837,972, plus strand): 5'-TTGACAATATAGACAATTTAAGTCCCAAGGCATCTCATCGTAGTAAGCAGAGACACAAGC[A>T]AAGTCTCTATGGTGATTATGTTTTTGACACCAATCGACATGATGATAATAGGTCAGACAA-3'
Protein context (NP_000029.2, residues 783-803): ASHRSKQRHK[Gln793Leu]SLYGDYVFDT